The following is an entry in ClinVar:

ClinVar aggregate classification (germline): Conflicting classifications of pathogenicity. Review status: criteria provided, conflicting classifications (1 of 4 stars). 3 submissions from 3 submitters: Uncertain significance (1); Likely benign (2). Last evaluated 2026-01-28.

Conditions:
Congenital ichthyosis of skin. Identifiers: MedGen C0020758.

Allele frequency attached by ClinVar (database versions not stated): gnomAD 0.00130 and 0.00131; TOPMed 0.00153; ExAC 0.00157; 1000 Genomes Project 0.00160; ESP Exome Variant Server 0.00161; gnomAD exomes 0.00169; 1000 Genomes Project 30x 0.00172.
gnomAD v4.1: 1,768 of 1,613,968 alleles (0.11%); highest among the groups gnomAD compares: Middle Eastern, 0.71%; 6 homozygotes.

Submissions (3):

Labcorp Genetics (formerly Invitae), Labcorp
Classification: Likely benign. Last evaluated: 2026-01-28. Review status: criteria provided, single submitter. Criteria: Invitae Variant Classification Sherloc (09022015). Collection method: clinical testing. Allele origin: germline.

CeGaT Center for Human Genetics Tuebingen
Classification: Likely benign. Last evaluated: 2025-11-01. Review status: criteria provided, single submitter. Criteria: CeGaT Center For Human Genetics Tuebingen Variant Classification Criteria Version 2. Collection method: clinical testing. Allele origin: germline. Affected: yes. Observed: 2 variant alleles.
Comment: ABCA12: BP4, BP7

Illumina Laboratory Services, Illumina
Classification: Uncertain significance for Congenital ichthyosis of skin. Last evaluated: 2018-01-13. Review status: criteria provided, single submitter. Criteria: ICSL Variant Classification Criteria 13 December 2019. Collection method: clinical testing. Allele origin: germline.

NM_173076.3(ABCA12):c.7468T>C (p.Leu2490=)

Genes: ABCA12 (ATP binding cassette subfamily A member 12; minus strand), SNHG31 (small nucleolar RNA host gene 31; plus strand). Cytogenetic location: 2q35.
Variant type: single nucleotide variant.
Coding change: c.7468T>C on transcript NM_173076.3 (MANE Select); coding-DNA position 7468, T replaced by C.
Protein change: p.Leu2490=; no amino-acid change (leucine 2490 retained).
Molecular consequence: synonymous variant. On other transcripts: non-coding transcript variant (1).
Genome position (GRCh38, 1-based): chr2:214,937,584, A>G on the plus strand (T>C on the coding strand, the complement: ABCA12 is on the minus strand). VCF-style: chr2-214937584-A-G. GRCh37 (hg19) VCF-style: chr2-215802308-A-G.
Other names: c.6514T>C, p.Leu2172= (NM_015657.4).
Identifiers: ClinVar variation 334221 (VCV000334221.37), dbSNP rs149561952, ClinGen allele CA2090629.
Genomic context (GRCh38, chr2:214,937,584, plus strand): 5'-TTGGAAAGTGCAGCTGCATGAACTTTGTGAGGGTCTCCATGGTCACTTTGTTATTCTTCA[A>G]GTGAACTTTGACAGTAAATCCTCGTCCAAACCTAGAAAGAAAAAGTGCAAAATATGATAT-3'
Protein context (NP_775099.2, residues 2480-2500): FGRGFTVKVH[Leu2490=]KNNKVTMETL